The following is an entry in ClinVar:

ClinVar aggregate classification (germline): Uncertain significance (1 of 4 stars; one submission).

Conditions:
Neuronopathy, distal hereditary motor, autosomal recessive 4. Also called: Autosomal recessive lower motor neuron disease with childhood onset; NEUROPATHY, DISTAL HEREDITARY MOTOR, AUTOSOMAL RECESSIVE 4. Identifiers: Orphanet 206580, MedGen C1970211, MONDO:0012608, OMIM 611067.
Charcot-Marie-Tooth disease recessive intermediate C. Also called: CHARCOT-MARIE-TOOTH NEUROPATHY, RECESSIVE INTERMEDIATE C. Identifiers: Orphanet 369867, MedGen C3809309, MONDO:0014154, OMIM 615376.

Submission:

Labcorp Genetics (formerly Invitae), Labcorp
Classification: Uncertain significance for Neuronopathy, distal hereditary motor, autosomal recessive 4; Charcot-Marie-Tooth disease recessive intermediate C. Last evaluated: 2021-07-22. Review status: criteria provided, single submitter. Criteria: Invitae Variant Classification Sherloc (09022015). Collection method: clinical testing. Allele origin: germline.
Comment: Algorithms developed to predict the effect of missense changes on protein structure and function are either unavailable or do not agree on the potential impact of this missense change (SIFT: "Deleterious"; PolyPhen-2: "Probably Damaging"; Align-GVGD: "Class C0"). In summary, the available evidence is currently insufficient to determine the role of this variant in disease. Therefore, it has been classified as a Variant of Uncertain Significance. This sequence change replaces cysteine with tyrosine at codon 472 of the PLEKHG5 protein (p.Cys472Tyr). The cysteine residue is moderately conserved and there is a large physicochemical difference between cysteine and tyrosine. This variant is not present in population databases (ExAC no frequency). This variant has been observed in individual(s) with Charcot-Marie-Tooth disease (Invitae).

NM_020631.6(PLEKHG5):c.1415G>A (p.Cys472Tyr)

Gene: PLEKHG5 (pleckstrin homology and RhoGEF domain containing G5; minus strand). Cytogenetic location: 1p36.31.
Variant type: single nucleotide variant.
Coding change: c.1415G>A on transcript NM_020631.6 (MANE Select); coding-DNA position 1415, G replaced by A.
Protein change: p.Cys472Tyr; replaces cysteine 472 with tyrosine.
Molecular consequence: missense variant.
Genome position (GRCh38, 1-based): chr1:6,470,862, C>T on the plus strand (G>A on the coding strand, the complement: PLEKHG5 is on the minus strand). VCF-style: chr1-6470862-C-T. GRCh37 (hg19) VCF-style: chr1-6530922-C-T.
Other names: c.1526G>A, p.Cys509Tyr (NM_001042663.3, NM_001265592.2); c.1415G>A, p.Cys472Tyr (NM_001042664.2, NM_001042665.2, NM_001265594.3 and 1 more transcripts); c.1622G>A, p.Cys541Tyr (NM_001265593.2); short protein forms C509Y, C472Y, C541Y.
Identifiers: ClinVar variation 1463076 (VCV001463076.8), dbSNP rs2148583006, ClinGen allele CA338127095.